The following is an entry in ClinVar:

ClinVar aggregate classification (germline): Conflicting classifications of pathogenicity. Review status: criteria provided, conflicting classifications (1 of 4 stars). 9 submissions from 9 submitters: Uncertain significance (1); Benign (4); Likely benign (3). 1 of the submissions does not count toward it. Last evaluated 2026-04-01.

Conditions:
Kabuki syndrome. Also called: Kabuki make-up syndrome; NIIKAWA-KUROKI SYNDROME. Identifiers: Orphanet 2322, MedGen C0796004, MONDO:0016512.
Kabuki syndrome 1 (KABUK1). Also called: KMT2D-Related Kabuki Syndrome. Identifiers: Orphanet 2322, MedGen CN030661, MONDO:0007843, OMIM 147920.

Allele frequency attached by ClinVar (database versions not stated): 1000 Genomes Project 0.00080; 1000 Genomes Project 30x 0.00094; TOPMed 0.00121; ExAC 0.00141; gnomAD 0.00159; ESP Exome Variant Server 0.00210.
gnomAD v4.1: 3,716 of 1,613,672 alleles (0.23%); highest among the groups gnomAD compares: Non-Finnish European, 0.28%; 5 homozygotes.

Submissions (9):

CeGaT Center for Human Genetics Tuebingen
Classification: Likely benign. Last evaluated: 2026-04-01. Review status: criteria provided, single submitter. Criteria: CeGaT Center For Human Genetics Tuebingen Variant Classification Criteria Version 2. Collection method: clinical testing. Allele origin: germline. Affected: yes. Observed: 9 variant alleles.
Comment: KMT2D: BP4, BS1

Labcorp Genetics (formerly Invitae), Labcorp
Classification: Likely benign for Kabuki syndrome. Last evaluated: 2026-02-01. Review status: criteria provided, single submitter. Criteria: Invitae Variant Classification Sherloc (09022015). Collection method: clinical testing. Allele origin: germline.

Blueprint Genetics
Classification: Benign. Last evaluated: 2024-11-17. Review status: criteria provided, single submitter. Criteria: ACMG Guidelines, 2015. Collection method: clinical testing. Allele origin: germline.

GeneDx
Classification: Benign. Last evaluated: 2019-11-21. Review status: criteria provided, single submitter. Criteria: GeneDx Variant Classification Process June 2021. Collection method: clinical testing. Allele origin: germline. Affected: yes.
Comment: This variant is associated with the following publications: (PMID: 24728327, 30459467)

Athena Diagnostics
Classification: Benign. Last evaluated: 2018-09-25. Review status: criteria provided, single submitter. Criteria: Athena Diagnostics Criteria. Collection method: clinical testing. Allele origin: germline.

Center for Pediatric Genomic Medicine, Children's Mercy Hospital and Clinics
Classification: Likely benign. Last evaluated: 2017-05-18. Review status: criteria provided, single submitter. Criteria: ACMG Guidelines, 2015. Collection method: clinical testing. Allele origin: germline.

Eurofins Ntd Llc (ga)
Classification: Benign. Last evaluated: 2015-02-17. Review status: criteria provided, single submitter. Criteria: EGL Classification Definitions 2015. Collection method: clinical testing. Allele origin: germline. Observed: 1 variant allele, 1 heterozygote.

Genetic Services Laboratory, University of Chicago
Classification: Uncertain significance for Kabuki syndrome 1. Last evaluated: 2013-02-08. Review status: criteria provided, single submitter. Criteria: ACMG Guidelines, 2007. Collection method: clinical testing. Allele origin: germline. Inheritance: Autosomal dominant inheritance.

ITMI
No classification provided. Condition: AllHighlyPenetrant. Last evaluated: 2013-09-19. Review status: no classification provided. Collection method: reference population. Allele origin: germline. Not counted in ClinVar's aggregate classification.
Comment: Please see associated publication for description of ethnicities

Literature cited by the submitters: PubMed 27257180 (cited by Athena Diagnostics); PubMed 24728327 (cited by ITMI).

NM_003482.4(KMT2D):c.10993C>G (p.Pro3665Ala)

Gene: KMT2D (lysine methyltransferase 2D; minus strand). Cytogenetic location: 12q13.12.
Variant type: single nucleotide variant.
Coding change: c.10993C>G on transcript NM_003482.4 (MANE Select); coding-DNA position 10993, C replaced by G.
Protein change: p.Pro3665Ala; replaces proline 3665 with alanine.
Molecular consequence: missense variant.
Genome position (GRCh38, 1-based): chr12:49,033,712, G>C on the plus strand (C>G on the coding strand, the complement: KMT2D is on the minus strand). VCF-style: chr12-49033712-G-C. GRCh37 (hg19) VCF-style: chr12-49427495-G-C.
Other names: short protein forms P3665A.
Identifiers: ClinVar variation 134711 (VCV000134711.51), dbSNP rs112170602, ClinGen allele CA160591.
Genomic context (GRCh38, chr12:49,033,712, plus strand): 5'-GTTGCTGTTGCTGCTGTTGGGCCAGAGCTGTATTAAGGAAGGGGCCACCAGGCTGTCCAG[G>C]TAGTGCCATACCCCCAGGGGTCAGGCGAAGACCTCCGGCTTGCCCACCCGGAGGCCCCTG-3'
Protein context (NP_003473.3, residues 3655-3675): LRLTPGGMAL[Pro3665Ala]GQPGGPFLNT